The following is an entry in ClinVar:

NM_181507.2(HPS5):c.149G>A (p.Gly50Asp)

Gene: HPS5 (HPS5 biogenesis of lysosomal organelles complex 2 subunit 2; minus strand). Cytogenetic location: 11p15.1.
Variant type: single nucleotide variant.
Coding change: c.149G>A on transcript NM_181507.2 (MANE Select); coding-DNA position 149, G replaced by A.
Protein change: p.Gly50Asp; replaces glycine 50 with aspartic acid.
Molecular consequence: missense variant. On other transcripts: 5 prime UTR variant (1).
Genome position (GRCh38, 1-based): chr11:18,311,984, C>T on the plus strand (G>A on the coding strand, the complement: HPS5 is on the minus strand). VCF-style: chr11-18311984-C-T. GRCh37 (hg19) VCF-style: chr11-18333531-C-T.
Other names: c.-194G>A (NM_007216.4, NM_181508.2); short protein forms G50D.
Identifiers: ClinVar variation 2418968 (VCV002418968.5), dbSNP rs2494226641, ClinGen allele CA379507966.
Genomic context (GRCh38, chr11:18,311,984, plus strand): 5'-AGAAAAAGCCTGTGCTTCCAGCCTTCTTTCTGAATGAGATGGAGTCCTCCTCCTGAACTG[C>T]CCAAAGCCAACCATTTCCGAGACACAGCTATGCTCGTGCACTAAAAACATGTGAAGAGAA-3'
Protein context (NP_852608.1, residues 40-60): IAVSRKWLAL[Gly50Asp]SSGGGLHLIQ

ClinVar aggregate classification (germline): Uncertain significance (1 of 4 stars; one submission).

Allele frequency attached by ClinVar (database versions not stated): gnomAD exomes below 0.00001.
gnomAD v4.1: 1 of 1,614,068 alleles (0.000062%); highest among the groups gnomAD compares: Non-Finnish European, 0.000085%; no homozygotes.

Submission:

Labcorp Genetics (formerly Invitae), Labcorp
Classification: Uncertain significance. Last evaluated: 2022-03-13. Review status: criteria provided, single submitter. Criteria: Invitae Variant Classification Sherloc (09022015). Collection method: clinical testing. Allele origin: germline.
Comment: In summary, the available evidence is currently insufficient to determine the role of this variant in disease. Therefore, it has been classified as a Variant of Uncertain Significance. Algorithms developed to predict the effect of missense changes on protein structure and function are either unavailable or do not agree on the potential impact of this missense change (SIFT: "Deleterious"; PolyPhen-2: "Probably Damaging"; Align-GVGD: "Class C0"). This missense change has been observed in individual(s) with clinical features of Hermansky-Pudlak syndrome (PMID: 30387913). This variant is not present in population databases (gnomAD no frequency). This sequence change replaces glycine, which is neutral and non-polar, with aspartic acid, which is acidic and polar, at codon 50 of the HPS5 protein (p.Gly50Asp).

Literature cited by the submitters: PubMed 30387913.